The following is an entry in ClinVar:

NM_005475.3(SH2B3):c.616G>A (p.Ala206Thr)

Gene: SH2B3 (SH2B adaptor protein 3; plus strand). Cytogenetic location: 12q24.12.
Variant type: single nucleotide variant.
Coding change: c.616G>A on transcript NM_005475.3 (MANE Select); coding-DNA position 616, G replaced by A.
Protein change: p.Ala206Thr; replaces alanine 206 with threonine.
Molecular consequence: missense variant.
Genome position (GRCh38, 1-based): chr12:111,418,761, G>A. VCF-style: chr12-111418761-G-A. GRCh37 (hg19) VCF-style: chr12-111856565-G-A.
Other names: short protein forms A206T.
Identifiers: ClinVar variation 3440746 (VCV003440746.1).

ClinVar aggregate classification (germline): Uncertain significance (1 of 4 stars; one submission).

Conditions:
Inborn genetic diseases. Identifiers: MedGen C0950123, MeSH D030342.

Submission:

Ambry Genetics
Classification: Uncertain significance for Inborn genetic diseases. Last evaluated: 2024-11-20. Review status: criteria provided, single submitter. Criteria: Ambry Variant Classification Scheme 2023. Collection method: clinical testing. Allele origin: germline.
Comment: The p.A206T variant (also known as c.616G>A), located in coding exon 1 of the SH2B3 gene, results from a G to A substitution at nucleotide position 616. The alanine at codon 206 is replaced by threonine, an amino acid with similar properties. This amino acid position is conserved. In addition, this alteration is predicted to be tolerated by in silico analysis. Based on the available evidence, the clinical significance of this variant remains unclear.